The following is an entry in ClinVar:

NM_003000.3(SDHB):c.457A>T (p.Ile153Phe)

Gene: SDHB (succinate dehydrogenase complex iron sulfur subunit B; minus strand). Cytogenetic location: 1p36.13.
Variant type: single nucleotide variant.
Coding change: c.457A>T on transcript NM_003000.3 (MANE Select); coding-DNA position 457, A replaced by T.
Protein change: p.Ile153Phe; replaces isoleucine 153 with phenylalanine.
Molecular consequence: missense variant.
Genome position (GRCh38, 1-based): chr1:17,027,832, T>A on the plus strand (A>T on the coding strand, the complement: SDHB is on the minus strand). VCF-style: chr1-17027832-T-A. GRCh37 (hg19) VCF-style: chr1-17354327-T-A.
Other names: short protein forms I153F.
Identifiers: ClinVar variation 577011 (VCV000577011.7), dbSNP rs1450956956, ClinGen allele CA338273110.

ClinVar aggregate classification (germline): Uncertain significance. Review status: criteria provided, multiple submitters, no conflicts (2 of 4 stars). 2 submissions from 2 submitters: Uncertain significance (2). Last evaluated 2026-07-02.

Conditions:
Hereditary cancer-predisposing syndrome. Also called: Neoplastic Syndromes, Hereditary; Hereditary Cancer Syndrome; Hereditary neoplastic syndrome; Tumor predisposition. Identifiers: Orphanet 140162, MedGen C0027672, MeSH D009386, MONDO:0015356.
Pheochromocytoma/paraganglioma syndrome 4. Also called: SDHB-Related Hereditary Paraganglioma-Pheochromocytoma Syndrome (Paragangliomas 4); SDHB-Related Hereditary Paraganglioma-Pheochromocytoma Syndrome; PARAGANGLIOMA, FAMILIAL MALIGNANT; PARAGANGLIOMAS, HEREDITARY EXTRAADRENAL; PHEOCHROMOCYTOMA, FAMILIAL EXTRAADRENAL; Paragangliomas 4. Identifiers: Orphanet 29072, MedGen C1861848, MONDO:0007273, OMIM 115310.
Gastrointestinal stromal tumor. Also called: Gastrointestinal stromal tumor, somatic; Gastrointestinal stroma tumor. Identifiers: Orphanet 44890, MedGen C0238198, MeSH D046152, MONDO:0011719, OMIM 606764, HP:0100723.
Pheochromocytoma. Also called: MAX-Related Hereditary Paraganglioma-Pheochromocytoma Syndrome. Identifiers: Orphanet 29072, MedGen C0031511, MONDO:0008233, OMIM 171300, HP:0002666.

Submissions (2):

Ambry Genetics
Classification: Uncertain significance for Hereditary cancer-predisposing syndrome. Last evaluated: 2026-07-02. Review status: criteria provided, single submitter. Criteria: Ambry Variant Classification Scheme 2023. Collection method: clinical testing. Allele origin: germline.
Comment: The p.I153F variant (also known as c.457A>T), located in coding exon 5 of the SDHB gene, results from an A to T substitution at nucleotide position 457. The isoleucine at codon 153 is replaced by phenylalanine, an amino acid with highly similar properties. This amino acid position is conserved. In addition, this alteration is predicted to be deleterious by in silico analysis. Based on the available evidence, the clinical significance of this variant remains unclear.

Labcorp Genetics (formerly Invitae), Labcorp
Classification: Uncertain significance for Gastrointestinal stromal tumor; Pheochromocytoma/paraganglioma syndrome 4; Pheochromocytoma. Last evaluated: 2018-02-22. Review status: criteria provided, single submitter. Criteria: Invitae Variant Classification Sherloc (09022015). Collection method: clinical testing. Allele origin: germline.
Comment: In summary, the available evidence is currently insufficient to determine the role of this variant in disease. Therefore, it has been classified as a Variant of Uncertain Significance. Algorithms developed to predict the effect of missense changes on protein structure and function do not agree on the potential impact of this missense change (SIFT: "Deleterious"; PolyPhen-2: "Probably Damaging"; Align-GVGD: "Class C15"). This variant has not been reported in the literature in individuals with SDHB-related disease. This variant is not present in population databases (ExAC no frequency). This sequence change replaces isoleucine with phenylalanine at codon 153 of the SDHB protein (p.Ile153Phe). The isoleucine residue is highly conserved and there is a small physicochemical difference between isoleucine and phenylalanine.